The following is an entry in ClinVar:

ClinVar aggregate classification (germline): Pathogenic/Likely pathogenic. Review status: criteria provided, multiple submitters, no conflicts (2 of 4 stars). 2 submissions from 2 submitters: Pathogenic (1); Likely pathogenic (1). Last evaluated 2023-07-29.

Conditions:
Long chain 3-hydroxyacyl-CoA dehydrogenase deficiency. Also called: LCHAD Deficiency; Deficiency of long-chain 3-hydroxyacyl-coenzyme A dehydrogenase. Identifiers: Orphanet 5, MedGen C3711645, MONDO:0012173, OMIM 609016.
Mitochondrial trifunctional protein deficiency. Identifiers: Orphanet 746, MedGen C1969443, MONDO:0012172.

Submissions (2):

Baylor Genetics
Classification: Likely pathogenic for Long chain 3-hydroxyacyl-CoA dehydrogenase deficiency. Last evaluated: 2023-07-29. Review status: criteria provided, single submitter. Criteria: ACMG Guidelines, 2015. Collection method: clinical testing. Allele origin: unknown.

Labcorp Genetics (formerly Invitae), Labcorp
Classification: Pathogenic for Mitochondrial trifunctional protein deficiency; Long chain 3-hydroxyacyl-CoA dehydrogenase deficiency. Last evaluated: 2022-04-12. Review status: criteria provided, single submitter. Criteria: Invitae Variant Classification Sherloc (09022015). Collection method: clinical testing. Allele origin: germline.
Comment: For these reasons, this variant has been classified as Pathogenic. This variant has not been reported in the literature in individuals affected with HADHA-related conditions. This variant is not present in population databases (gnomAD no frequency). This sequence change creates a premature translational stop signal (p.Ile54Leufs*8) in the HADHA gene. It is expected to result in an absent or disrupted protein product. Loss-of-function variants in HADHA are known to be pathogenic (PMID: 7738175, 21103935, 21549624, 22459206).

Literature cited by the submitters: PubMed 7738175 (cited by Labcorp Genetics (formerly Invitae), Labcorp); PubMed 21103935 (cited by Labcorp Genetics (formerly Invitae), Labcorp); PubMed 21549624 (cited by Labcorp Genetics (formerly Invitae), Labcorp); PubMed 22459206 (cited by Labcorp Genetics (formerly Invitae), Labcorp).

NM_000182.5(HADHA):c.160del (p.Ile54fs)

Gene: HADHA (hydroxyacyl-CoA dehydrogenase trifunctional multienzyme complex subunit alpha; minus strand). Cytogenetic location: 2p23.3.
Variant type: Deletion.
Coding change: c.160del on transcript NM_000182.5 (MANE Select); coding-DNA position 160, one base deleted (A; older notation c.160delA).
Protein change: p.Ile54fs; shifts the reading frame from isoleucine 54.
Molecular consequence: frameshift variant.
Genome position (GRCh38, 1-based): chr2:26,238,954, T deleted on the plus strand (A on the coding strand, the reverse complement: HADHA is on the minus strand); the first of 2 consecutive T bases (chr2:26,238,954-26,238,955); deleting either gives the same sequence. VCF-style (leftmost placement, unchanged base first): chr2-26238953-AT-A. GRCh37 (hg19) VCF-style: chr2-26461821-AT-A.
Other names: short protein forms I54fs.
Identifiers: ClinVar variation 2120942 (VCV002120942.5), dbSNP rs2465608988, ClinGen allele CA2580066160.